The following is an entry in ClinVar:

ClinVar aggregate classification (germline): Uncertain significance (1 of 4 stars; one submission).

Conditions:
Hereditary cancer-predisposing syndrome. Also called: Neoplastic Syndromes, Hereditary; Tumor predisposition; Hereditary neoplastic syndrome; Hereditary Cancer Syndrome. Identifiers: Orphanet 140162, MedGen C0027672, MeSH D009386, MONDO:0015356.
Cardiovascular phenotype. Identifiers: MedGen CN230736.

Submission:

Ambry Genetics
Classification: Uncertain significance for Cardiovascular phenotype; Hereditary cancer-predisposing syndrome. Last evaluated: 2023-11-13. Review status: criteria provided, single submitter. Criteria: Ambry Variant Classification Scheme 2023. Collection method: clinical testing. Allele origin: germline.
Comment: The p.D151Y variant (also known as c.451G>T), located in coding exon 5 of the LZTR1 gene, results from a G to T substitution at nucleotide position 451. The aspartic acid at codon 151 is replaced by tyrosine, an amino acid with highly dissimilar properties. This amino acid position is conserved. In addition, this alteration is predicted to be deleterious by in silico analysis. Since supporting evidence is limited at this time, the clinical significance of this alteration remains unclear.

NM_006767.4(LZTR1):c.451G>T (p.Asp151Tyr)

Gene: LZTR1 (leucine zipper like post translational regulator 1; plus strand). Cytogenetic location: 22q11.21.
Variant type: single nucleotide variant.
Coding change: c.451G>T on transcript NM_006767.4 (MANE Select); coding-DNA position 451, G replaced by T.
Protein change: p.Asp151Tyr; replaces aspartic acid 151 with tyrosine.
Molecular consequence: missense variant.
Genome position (GRCh38, 1-based): chr22:20,988,060, G>T. VCF-style: chr22-20988060-G-T. GRCh37 (hg19) VCF-style: chr22-21342349-G-T.
Other names: short protein forms D151Y.
Identifiers: ClinVar variation 3238292 (VCV003238292.1), dbSNP rs1216720527.
Genomic context (GRCh38, chr22:20,988,060, plus strand): 5'-CTTTACTCAGGGGGTTACACTGGGGACATTTATTCCAATTCTAACTTGAAGAATAAAAAC[G>T]ACCTCTTTGAATACAAGTTTGCAACTGGCCAGTGGACGGAGTGGAAAATTGAAGGACGGT-3'
Protein context (NP_006758.2, residues 141-161): YSNSNLKNKN[Asp151Tyr]LFEYKFATGQ